The following is an entry in ClinVar:

NM_002971.6(SATB1):c.1206+3C>T

Gene: SATB1 (SATB homeobox 1; minus strand). Cytogenetic location: 3p24.3.
Variant type: single nucleotide variant.
Coding change: c.1206+3C>T on transcript NM_002971.6 (MANE Select); 3 bases into the intron after coding-DNA position 1206, C replaced by T.
Molecular consequence: intron variant.
Genome position (GRCh38, 1-based): chr3:18,394,459, G>A on the plus strand (C>T on the coding strand, the complement: SATB1 is on the minus strand). VCF-style: chr3-18394459-G-A. GRCh37 (hg19) VCF-style: chr3-18435951-G-A.
Other names: c.1206+3C>T (NM_001322874.2, NM_001322872.2, NM_001322873.2 and 4 more transcripts); c.990+3C>T (NM_001322876.2).
Identifiers: ClinVar variation 3345864 (VCV003345864.1).

ClinVar aggregate classification (germline): Likely benign (0 of 4 stars; one submission).

Conditions:
SATB1-related disorder. Also called: SATB1-related condition.

gnomAD v4.1: 5 of 1,613,046 alleles (0.00031%); highest among the groups gnomAD compares: South Asian, 0.0055%; no homozygotes.

Submission:

PreventionGenetics, part of Exact Sciences
Classification: Likely benign for SATB1-related condition. Last evaluated: 2024-09-04. Review status: no assertion criteria provided. Collection method: clinical testing. Allele origin: germline.
Comment: This variant is classified as likely benign based on ACMG/AMP sequence variant interpretation guidelines (Richards et al. 2015 PMID: 25741868, with internal and published modifications).